The following is an entry in ClinVar:

ClinVar aggregate classification (germline): Uncertain significance (1 of 4 stars; one submission).

gnomAD v4.1: 1 of 1,612,846 alleles (0.000062%); highest among the groups gnomAD compares: Non-Finnish European, 0.000085%; no homozygotes.

Submission:

Ambry Genetics
Classification: Uncertain significance. Last evaluated: 2025-02-15. Review status: criteria provided, single submitter. Criteria: Ambry Variant Classification Scheme 2023. Collection method: clinical testing. Allele origin: germline.
Comment: The p.T1266R variant (also known as c.3797C>G), located in coding exon 7 of the MLH3 gene, results from a C to G substitution at nucleotide position 3797. The threonine at codon 1266 is replaced by arginine, an amino acid with similar properties. This amino acid position is conserved. In addition, this alteration is predicted to be tolerated by in silico analysis. Based on the available evidence, the clinical significance of this variant remains unclear.

NM_001040108.2(MLH3):c.3797C>G (p.Thr1266Arg)

Gene: MLH3 (mutL homolog 3; minus strand). Cytogenetic location: 14q24.3.
Variant type: single nucleotide variant.
Coding change: c.3797C>G on transcript NM_001040108.2 (MANE Select); coding-DNA position 3797, C replaced by G.
Protein change: p.Thr1266Arg; replaces threonine 1266 with arginine.
Molecular consequence: missense variant.
Genome position (GRCh38, 1-based): chr14:75,032,098, G>C on the plus strand (C>G on the coding strand, the complement: MLH3 is on the minus strand). VCF-style: chr14-75032098-G-C. GRCh37 (hg19) VCF-style: chr14-75498801-G-C.
Other names: c.3725C>G, p.Thr1242Arg (NM_014381.3); short protein forms T1266R, T1242R.
Identifiers: ClinVar variation 3873456 (VCV003873456.1).